The following is an entry in ClinVar:

ClinVar aggregate classification (germline): Uncertain significance (1 of 4 stars; one submission).

Conditions:
Hereditary cancer-predisposing syndrome. Also called: Neoplastic Syndromes, Hereditary; Tumor predisposition; Hereditary neoplastic syndrome; Hereditary Cancer Syndrome. Identifiers: Orphanet 140162, MedGen C0027672, MeSH D009386, MONDO:0015356.

Allele frequency attached by ClinVar (database versions not stated): gnomAD exomes below 0.00001.
gnomAD v4.1: 1 of 1,614,168 alleles (0.000062%); highest among the groups gnomAD compares: Non-Finnish European, 0.000085%; no homozygotes.

Submission:

Ambry Genetics
Classification: Uncertain significance for Hereditary cancer-predisposing syndrome. Last evaluated: 2023-12-13. Review status: criteria provided, single submitter. Criteria: Ambry Variant Classification Scheme 2023. Collection method: clinical testing. Allele origin: germline.
Comment: The p.M239L variant (also known as c.715A>T), located in coding exon 3 of the MEN1 gene, results from an A to T substitution at nucleotide position 715. The methionine at codon 239 is replaced by leucine, an amino acid with highly similar properties. This amino acid position is conserved. In addition, this alteration is predicted to be deleterious by in silico analysis. Since supporting evidence is limited at this time, the clinical significance of this alteration remains unclear.

NM_001370259.2(MEN1):c.715A>T (p.Met239Leu)

Gene: MEN1 (menin 1; minus strand). Cytogenetic location: 11q13.1.
Variant type: single nucleotide variant.
Coding change: c.715A>T on transcript NM_001370259.2 (MANE Select); coding-DNA position 715, A replaced by T.
Protein change: p.Met239Leu; replaces methionine 239 with leucine.
Molecular consequence: missense variant. On other transcripts: non-coding transcript variant (4).
Genome position (GRCh38, 1-based): chr11:64,807,620, T>A on the plus strand (A>T on the coding strand, the complement: MEN1 is on the minus strand). VCF-style: chr11-64807620-T-A. GRCh37 (hg19) VCF-style: chr11-64575092-T-A.
Other names: c.730A>T, p.Met244Leu (NM_000244.4, NM_001407145.1, NM_001407150.1 and 5 more transcripts); c.715A>T, p.Met239Leu (NM_001370251.2, NM_001370260.2, NM_001370261.2 and 7 more transcripts); c.610A>T, p.Met204Leu (NM_001370262.2, NM_001370263.2, NM_001407148.1 and 2 more transcripts); short protein forms M204L, M239L, M244L.
Identifiers: ClinVar variation 3229107 (VCV003229107.1), dbSNP rs1941824756, ClinGen allele CA381184525.